The following is an entry in ClinVar:

NM_000548.5(TSC2):c.2979G>A (p.Thr993=)

Gene: TSC2 (TSC complex subunit 2; plus strand). Cytogenetic location: 16p13.3.
Variant type: single nucleotide variant.
Coding change: c.2979G>A on transcript NM_000548.5 (MANE Select); coding-DNA position 2979, G replaced by A.
Protein change: p.Thr993=; no amino-acid change (threonine 993 retained).
Molecular consequence: synonymous variant.
Genome position (GRCh38, 1-based): chr16:2,079,044, G>A. VCF-style: chr16-2079044-G-A. GRCh37 (hg19) VCF-style: chr16-2129045-G-A.
Other names: p.T993T:ACG>ACA; c.2979G>A (NM_000548.4); c.2847G>A, p.Thr949= (NM_001077183.3, NM_001370404.1); c.2979G>A, p.Thr993= (NM_001114382.3); c.2739G>A, p.Thr913= (NM_001318827.2); c.2703G>A, p.Thr901= (NM_001318829.2); c.2247G>A, p.Thr749= (NM_001318831.2); c.2880G>A, p.Thr960= (NM_001318832.2); and 1 more.
Identifiers: ClinVar variation 49773 (VCV000049773.76), dbSNP rs45517277, ClinGen allele CA018369.

ClinVar aggregate classification (germline): Benign/Likely benign. Review status: criteria provided, multiple submitters, no conflicts (2 of 4 stars). 25 submissions from 25 submitters: Benign (12); Likely benign (7). 6 of the submissions do not count toward it. Last evaluated 2026-07-01.

Conditions:
Tuberous sclerosis 2 (TSC2). Identifiers: Orphanet 805, MedGen C1860707, MONDO:0013199, OMIM 613254.
Lymphangiomyomatosis (LAM). Also called: Lymphangioleiomyomatosis; Lymphangioleiomyomatosis, somatic. Identifiers: Orphanet 538, MedGen C0751674, MONDO:0011705, OMIM 606690.
Isolated focal cortical dysplasia type II (FCORD2). Also called: Focal cortical dysplasia type II; CORTICAL DYSPLASIA OF TAYLOR. Identifiers: Orphanet 268994, MedGen C1846385, MONDO:0011818, OMIM 607341, HP:0032051.
TSC2-related disorder. Also called: TSC2-related condition; TSC2-Related Disorders.
Hereditary cancer-predisposing syndrome. Also called: Neoplastic Syndromes, Hereditary; Tumor predisposition; Hereditary Cancer Syndrome; Hereditary neoplastic syndrome. Identifiers: Orphanet 140162, MedGen C0027672, MeSH D009386, MONDO:0015356.
Tuberous sclerosis syndrome (TSC). Also called: Tuberous Sclerosis Complex; Tuberous sclerosis. Identifiers: Orphanet 805, MedGen C0041341, MONDO:0001734.

Allele frequency attached by ClinVar (database versions not stated): gnomAD exomes 0.00085; ExAC 0.00091; 1000 Genomes Project 30x 0.00031; 1000 Genomes Project 0.00040; TOPMed 0.00072; gnomAD 0.00080 and 0.00083; ESP Exome Variant Server 0.00092.
gnomAD v4.1: 2,199 of 1,612,738 alleles (0.14%); highest among the groups gnomAD compares: Non-Finnish European, 0.17%; 4 homozygotes.

Submissions (25):

CeGaT Center for Human Genetics Tuebingen
Classification: Likely benign. Last evaluated: 2026-07-01. Review status: criteria provided, single submitter. Criteria: CeGaT Center For Human Genetics Tuebingen Variant Classification Criteria Version 2. Collection method: clinical testing. Allele origin: germline. Affected: yes. Observed: 21 variant alleles.
Comment: TSC2: BP4, BP7, BS1

Labcorp Genetics (formerly Invitae), Labcorp
Classification: Benign for Tuberous sclerosis 2. Last evaluated: 2026-02-03. Review status: criteria provided, single submitter. Criteria: Invitae Variant Classification Sherloc (09022015). Collection method: clinical testing. Allele origin: germline.

ARUP Laboratories, Molecular Genetics and Genomics, ARUP Laboratories
Classification: Benign. Last evaluated: 2025-07-01. Review status: criteria provided, single submitter. Criteria: ARUP Molecular Germline Variant Investigation Process 2024. Collection method: clinical testing. Allele origin: germline.

Myriad Genetics, Inc.
Classification: Benign for Tuberous sclerosis 2. Last evaluated: 2025-05-27. Review status: criteria provided, single submitter. Criteria: Myriad Autosomal Dominant, Autosomal Recessive and X-Linked Classification Criteria (2023). Collection method: clinical testing. Allele origin: unknown.
Comment: This variant is considered benign. This variant is a silent/synonymous amino acid change and it is not expected to impact splicing.

Athena Diagnostics
Classification: Benign. Last evaluated: 2025-05-06. Review status: criteria provided, single submitter. Criteria: Athena Diagnostics Criteria. Collection method: clinical testing. Allele origin: unknown.
Comment: The frequency of this variant in the general population is higher than would generally be expected for pathogenic variants in this gene.

Laboratory of Genetics, Children's Clinical University Hospital Latvia
Classification: Likely benign. Last evaluated: 2025-02-16. Review status: criteria provided, single submitter. Criteria: ACMG Guidelines, 2015. Collection method: clinical testing. Allele origin: germline. Affected: yes.

Blueprint Genetics
Classification: Likely benign. Last evaluated: 2024-11-21. Review status: criteria provided, single submitter. Criteria: ACMG Guidelines, 2015. Collection method: clinical testing. Allele origin: germline.

Women's Health and Genetics/Laboratory Corporation of America, LabCorp
Classification: Benign. Last evaluated: 2024-07-11. Review status: criteria provided, single submitter. Criteria: LabCorp Variant Classification Summary - May 2015. Collection method: clinical testing. Allele origin: germline.

All of Us Research Program, National Institutes of Health
Classification: Benign for Tuberous sclerosis syndrome. Last evaluated: 2024-02-05. Review status: criteria provided, single submitter. Criteria: ACMG Guidelines, 2015. Collection method: clinical testing. Allele origin: germline. Inheritance: Autosomal dominant inheritance. Observed: 223 variant alleles, 223 heterozygotes.
Comment: This study involves interpretation of variants in research participants for the purpose of population health screening. Participant phenotype was not available at the time of variant classification. Additional details can be found in publication PMID: 35346344, PMCID: PMC8962531

KCCC/NGS Laboratory, Kuwait Cancer Control Center
Classification: Benign for Tuberous sclerosis 2. Last evaluated: 2023-07-07. Review status: criteria provided, single submitter. Criteria: ACMG Guidelines, 2015. Collection method: clinical testing. Allele origin: germline. Affected: yes.

Department of Pathology and Laboratory Medicine, Sinai Health System
Classification: Likely benign for Lymphangiomyomatosis; Isolated focal cortical dysplasia type II; Tuberous sclerosis 2. Last evaluated: 2023-06-22. Review status: criteria provided, single submitter. Criteria: ACMG Guidelines, 2015. Collection method: clinical testing. Allele origin: germline. Affected: yes.

Color Diagnostics, LLC DBA Color Health
Classification: Benign for Tuberous sclerosis syndrome. Last evaluated: 2022-09-20. Review status: criteria provided, single submitter. Criteria: ACMG Guidelines, 2015. Collection method: clinical testing. Allele origin: germline.

Genome-Nilou Lab
Classification: Benign for Tuberous sclerosis 2. Last evaluated: 2021-11-07. Review status: criteria provided, single submitter. Criteria: ACMG Guidelines, 2015. Collection method: clinical testing. Allele origin: germline. Affected: no.

Quest Diagnostics Nichols Institute San Juan Capistrano
Classification: Benign. Last evaluated: 2021-08-03. Review status: criteria provided, single submitter. Criteria: Quest Diagnostics criteria. Collection method: clinical testing. Allele origin: unknown.

Sema4
Classification: Benign for Hereditary cancer-predisposing syndrome. Last evaluated: 2020-10-01. Review status: criteria provided, single submitter. Criteria: Sema4 Curation Guidelines. Collection method: curation. Allele origin: germline.

Illumina Laboratory Services, Illumina
Classification: Likely benign for Tuberous sclerosis syndrome. Last evaluated: 2018-01-13. Review status: criteria provided, single submitter. Criteria: ICSL Variant Classification Criteria 13 December 2019. Collection method: clinical testing. Allele origin: germline.
Comment: This variant was observed in the ICSL laboratory as part of a predisposition screen in an ostensibly healthy population. It had not been previously curated by ICSL or reported in the Human Gene Mutation Database (HGMD: prior to June 1st, 2018), and was therefore a candidate for classification through an automated scoring system. Utilizing variant allele frequency, disease prevalence and penetrance estimates, and inheritance mode, an automated score was calculated to assess if this variant is too frequent to cause the disease. Based on the score and internal cut-off values, a variant classified as likely benign is not then subjected to further curation. The score for this variant resulted in a classification of likely benign for this disease.

Eurofins Ntd Llc (ga)
Classification: Likely benign. Last evaluated: 2017-07-13. Review status: criteria provided, single submitter. Criteria: EGL Classification Definitions 2015. Collection method: clinical testing. Allele origin: germline. Observed: 1 variant allele, 1 heterozygote.

Ambry Genetics
Classification: Likely benign for Hereditary cancer-predisposing syndrome. Last evaluated: 2014-11-02. Review status: criteria provided, single submitter. Criteria: Ambry Variant Classification Scheme 2023. Collection method: clinical testing. Allele origin: germline.

GeneDx
Classification: Benign. Last evaluated: 2013-10-11. Review status: criteria provided, single submitter. Criteria: GeneDx Variant Classification (06012015). Collection method: clinical testing. Allele origin: germline. Affected: yes.
Comment: This variant is considered likely benign or benign based on one or more of the following criteria: it is a conservative change, it occurs at a poorly conserved position in the protein, it is predicted to be benign by multiple in silico algorithms, and/or has population frequency not consistent with disease.

PreventionGenetics, part of Exact Sciences
Classification: Likely benign for TSC2-related condition. Last evaluated: 2023-11-29. Review status: no assertion criteria provided. Collection method: clinical testing. Allele origin: germline. Not counted in ClinVar's aggregate classification.
Comment: This variant is classified as likely benign based on ACMG/AMP sequence variant interpretation guidelines (Richards et al. 2015 PMID: 25741868, with internal and published modifications).

Clinical Genetics DNA and cytogenetics Diagnostics Lab, Erasmus MC, Erasmus Medical Center
Classification: Benign. Review status: no assertion criteria provided. Collection method: clinical testing. Allele origin: germline. Affected: yes. Study: VKGL Data-share Consensus. Not counted in ClinVar's aggregate classification.

Clinical Genetics, Academic Medical Center
Classification: Likely benign. Review status: no assertion criteria provided. Collection method: clinical testing. Allele origin: germline. Affected: yes. Study: VKGL Data-share Consensus. Not counted in ClinVar's aggregate classification.

Diagnostic Laboratory, Department of Genetics, University Medical Center Groningen
Classification: Likely benign. Review status: no assertion criteria provided. Collection method: clinical testing. Allele origin: germline. Affected: yes. Study: VKGL Data-share Consensus. Not counted in ClinVar's aggregate classification.

Laboratory of Diagnostic Genome Analysis, Leiden University Medical Center (LUMC)
Classification: Likely benign. Review status: no assertion criteria provided. Collection method: clinical testing. Allele origin: germline. Affected: yes. Study: VKGL Data-share Consensus. Not counted in ClinVar's aggregate classification.

Tuberous sclerosis database (TSC2)
No classification provided. Condition: TSC. Review status: no classification provided. Criteria: Tuberous Sclerosis Database Assertion Criteria 2015. Collection method: curation. Allele origin: germline. Affected: yes. Not counted in ClinVar's aggregate classification.